The following is an entry in ClinVar:

NM_206933.4(USH2A):c.14217del (p.Ala4740fs)

Gene: USH2A (usherin; minus strand). Cytogenetic location: 1q41.
Variant type: Deletion.
Coding change: c.14217del on transcript NM_206933.4 (MANE Select); coding-DNA position 14217, one base deleted (A; older notation c.14217delA).
Protein change: p.Ala4740fs; shifts the reading frame from alanine 4740.
Molecular consequence: frameshift variant.
Genome position (GRCh38, 1-based): chr1:215,650,718, T deleted on the plus strand (A on the coding strand, the reverse complement: USH2A is on the minus strand). VCF-style (leftmost placement, unchanged base first): chr1-215650717-CT-C. GRCh37 (hg19) VCF-style: chr1-215824059-CT-C.
Other names: short protein forms A4740fs.
Identifiers: ClinVar variation 2109862 (VCV002109862.4), dbSNP rs2464820974, ClinGen allele CA2580062195.

ClinVar aggregate classification (germline): Pathogenic (1 of 4 stars; one submission).

Submission:

Labcorp Genetics (formerly Invitae), Labcorp
Classification: Pathogenic. Last evaluated: 2024-02-05. Review status: criteria provided, single submitter. Criteria: Invitae Variant Classification Sherloc (09022015). Collection method: clinical testing. Allele origin: germline.
Comment: This sequence change creates a premature translational stop signal (p.Ala4740Profs*6) in the USH2A gene. It is expected to result in an absent or disrupted protein product. Loss-of-function variants in USH2A are known to be pathogenic (PMID: 10729113, 10909849, 20507924, 25649381). This variant is not present in population databases (gnomAD no frequency). This variant has not been reported in the literature in individuals affected with USH2A-related conditions. ClinVar contains an entry for this variant (Variation ID: 2109862). For these reasons, this variant has been classified as Pathogenic.

Literature cited by the submitters: PubMed 10729113; PubMed 10909849; PubMed 20507924; PubMed 25649381.